The following is an entry in ClinVar:

NM_003482.4(KMT2D):c.10683T>C (p.Ala3561=)

Gene: KMT2D (lysine methyltransferase 2D; minus strand). Cytogenetic location: 12q13.12.
Variant type: single nucleotide variant.
Coding change: c.10683T>C on transcript NM_003482.4 (MANE Select); coding-DNA position 10683, T replaced by C.
Protein change: p.Ala3561=; no amino-acid change (alanine 3561 retained).
Molecular consequence: synonymous variant.
Genome position (GRCh38, 1-based): chr12:49,034,124, A>G on the plus strand (T>C on the coding strand, the complement: KMT2D is on the minus strand). VCF-style: chr12-49034124-A-G. GRCh37 (hg19) VCF-style: chr12-49427907-A-G.
Identifiers: ClinVar variation 2895408 (VCV002895408.4), dbSNP rs772153984, ClinGen allele CA6546455.

ClinVar aggregate classification (germline): Benign/Likely benign. Review status: criteria provided, multiple submitters, no conflicts (2 of 4 stars). 2 submissions from 2 submitters: Benign (1); Likely benign (1). Last evaluated 2026-01-08.

Conditions:
KMT2D-related disorder. Also called: KMT2D-Related Disorders.
Kabuki syndrome. Also called: NIIKAWA-KUROKI SYNDROME; Kabuki make-up syndrome. Identifiers: Orphanet 2322, MedGen C0796004, MONDO:0016512.

Allele frequency attached by ClinVar (database versions not stated): ExAC 0.00002; gnomAD 0.00003; TOPMed 0.00003.
gnomAD v4.1: 33 of 1,612,988 alleles (0.002%); highest among the groups gnomAD compares: Non-Finnish European, 0.0026%; no homozygotes.

Submissions (2):

Labcorp Genetics (formerly Invitae), Labcorp
Classification: Benign for Kabuki syndrome. Last evaluated: 2026-01-08. Review status: criteria provided, single submitter. Criteria: Invitae Variant Classification Sherloc (09022015). Collection method: clinical testing. Allele origin: germline.

PreventionGenetics, part of Exact Sciences
Classification: Likely benign for KMT2D-related condition. Last evaluated: 2025-04-10. Review status: criteria provided, single submitter. Criteria: ACMG Guidelines, 2015. Collection method: clinical testing. Allele origin: germline.
Comment: This variant is classified as likely benign based on ACMG/AMP sequence variant interpretation guidelines (Richards et al. 2015 PMID: 25741868, with internal and published modifications).